The following is an entry in ClinVar:

ClinVar aggregate classification (germline): Uncertain significance (1 of 4 stars; one submission).

Conditions:
Inborn genetic diseases. Identifiers: MedGen C0950123, MeSH D030342.

Submission:

Ambry Genetics
Classification: Uncertain significance for Inborn genetic diseases. Last evaluated: 2024-12-14. Review status: criteria provided, single submitter. Criteria: Ambry Variant Classification Scheme 2023. Collection method: clinical testing. Allele origin: germline.
Comment: The p.W725R variant (also known as c.2173T>A), located in coding exon 1 of the SAMD9L gene, results from a T to A substitution at nucleotide position 2173. The tryptophan at codon 725 is replaced by arginine, an amino acid with dissimilar properties. This amino acid position is conserved. In addition, this alteration is predicted to be tolerated by in silico analysis. Based on the available evidence, the clinical significance of this variant remains unclear.

NM_152703.5(SAMD9L):c.2173T>A (p.Trp725Arg)

Gene: SAMD9L (sterile alpha motif domain containing 9 like; minus strand). Cytogenetic location: 7q21.2.
Variant type: single nucleotide variant.
Coding change: c.2173T>A on transcript NM_152703.5 (MANE Select); coding-DNA position 2173, T replaced by A.
Protein change: p.Trp725Arg; replaces tryptophan 725 with arginine.
Molecular consequence: missense variant.
Genome position (GRCh38, 1-based): chr7:93,133,799, A>T on the plus strand (T>A on the coding strand, the complement: SAMD9L is on the minus strand). VCF-style: chr7-93133799-A-T. GRCh37 (hg19) VCF-style: chr7-92763112-A-T.
Other names: c.2173T>A, p.Trp725Arg (NM_001303496.3, NM_001303497.3, NM_001303498.3 and 5 more transcripts); short protein forms W725R.
Identifiers: ClinVar variation 3792199 (VCV003792199.1).